The following is an entry in ClinVar:

ClinVar aggregate classification (germline): Pathogenic. Review status: criteria provided, multiple submitters, no conflicts (2 of 4 stars). 10 submissions from 10 submitters: Pathogenic (8). 2 of the submissions do not count toward it. Last evaluated 2025-08-17.

Conditions:
CLCN1-related disorder. Also called: CLCN1-related condition.
Congenital myotonia, autosomal dominant form (THD). Also called: THOMSEN DISEASE; Myotonia congenita autosomal dominant. Identifiers: Orphanet 614, MedGen C2936781, MONDO:0008055, OMIM 160800.
Congenital myotonia, autosomal recessive form. Also called: BECKER DISEASE; myotonia congenita, autosomal recessive; Becker Generalized Myotonia. Identifiers: Orphanet 614, MedGen C0751360, MONDO:0009715, OMIM 255700.
Batten-Turner congenital myopathy. Also called: Congenital myotonia; Myotonia congenita. Identifiers: Orphanet 206973, MedGen C0027127, MONDO:0100468, OMIM 255300.

Allele frequency attached by ClinVar (database versions not stated): gnomAD 0.00001 and 0.00003; ExAC 0.00002; gnomAD exomes 0.00003 and 0.00004; 1000 Genomes Project 30x 0.00016; 1000 Genomes Project 0.00020; TOPMed below 0.00001.
gnomAD v4.1: 52 of 1,613,184 alleles (0.0032%); highest among the groups gnomAD compares: Admixed American, 0.0033%; no homozygotes.

Submissions (10):

Labcorp Genetics (formerly Invitae), Labcorp
Classification: Pathogenic for Congenital myotonia, autosomal recessive form; Congenital myotonia, autosomal dominant form. Last evaluated: 2025-08-17. Review status: criteria provided, single submitter. Criteria: Invitae Variant Classification Sherloc (09022015). Collection method: clinical testing. Allele origin: germline.
Comment: This sequence change replaces alanine, which is neutral and non-polar, with valine, which is neutral and non-polar, at codon 531 of the CLCN1 protein (p.Ala531Val). This variant is present in population databases (rs80356704, gnomAD 0.04%). This missense change has been observed in individual(s) with myotonia congenita (PMID: 10430417, 11840191, 21221019, 22094069, 23933576; internal data). In at least one individual the data is consistent with being in trans (on the opposite chromosome) from a pathogenic variant. It has also been observed to segregate with disease in related individuals. ClinVar contains an entry for this variant (Variation ID: 21040). Invitae Evidence Modeling of protein sequence and biophysical properties (such as structural, functional, and spatial information, amino acid conservation, physicochemical variation, residue mobility, and thermodynamic stability) indicates that this missense variant is expected to disrupt CLCN1 protein function with a positive predictive value of 95%. Experimental studies have shown that this missense change affects CLCN1 function (PMID: 17990293, 23424641, 23933576, 26021757, 27580824). For these reasons, this variant has been classified as Pathogenic.

GeneDx
Classification: Pathogenic. Last evaluated: 2025-06-27. Review status: criteria provided, single submitter. Criteria: GeneDx Variant Classification Process June 2021. Collection method: clinical testing. Allele origin: germline. Affected: yes.
Comment: Published functional studies demonstrate that the variant results in a reduced amount of unstable protein (PMID: 17990293, 23424641); In silico analysis supports that this missense variant has a deleterious effect on protein structure/function; This variant is associated with the following publications: (PMID: 26021757, 22094069, 15162127, 27580824, 11840191, 23424641, 23933576, 18807109, 21221019, 35907044, 34938096, 37355912, 38855810, 36034862, 17990293, 10430417)

Blueprint Genetics
Classification: Pathogenic for CLCN1-related disorders. Last evaluated: 2024-11-05. Review status: criteria provided, single submitter. Criteria: ACMG Guidelines, 2015. Collection method: clinical testing. Allele origin: germline. Affected: yes. Observed: 2 variant alleles.

Laboratory of Medical Genetics, National & Kapodistrian University of Athens
Classification: Pathogenic for Congenital myotonia, autosomal recessive form. Last evaluated: 2024-02-20. Review status: criteria provided, single submitter. Criteria: ACMG Guidelines, 2015. Collection method: clinical testing. Allele origin: germline. Affected: yes.

Fulgent Genetics
Classification: Pathogenic for Congenital myotonia, autosomal dominant form; Congenital myotonia, autosomal recessive form. Last evaluated: 2024-02-10. Review status: criteria provided, single submitter. Criteria: ACMG Guidelines, 2015. Collection method: clinical testing. Allele origin: germline.

Women's Health and Genetics/Laboratory Corporation of America, LabCorp
Classification: Pathogenic for Congenital myotonia, autosomal recessive form. Last evaluated: 2023-06-23. Review status: criteria provided, single submitter. Criteria: LabCorp Variant Classification Summary - May 2015. Collection method: clinical testing. Allele origin: germline.
Comment: Variant summary: CLCN1 c.1592C>T (p.Ala531Val) results in a non-conservative amino acid change in the encoded protein sequence. Five of five in-silico tools predict a damaging effect of the variant on protein function. The variant allele was found at a frequency of 4.4e-05 in 251370 control chromosomes, exclusively at a frequency of 4.4e-05 (i.e., 11 heterozygotes) within the Finnish subpopulation in the gnomAD database. The available data on variant occurrences in the general population are insufficient to allow any conclusion about variant significance. c.1592C>T has been reported in the literature in multiple compound heterozygous individuals affected with Congenital Myotonia, Autosomal Recessive Form (e.g., Sun_2002, Modoni_2011). Additionally, the variant was identified in several apparent heterozygotes affected with myotonia and latent myotonia, but was observed in unaffected heterozygous carriers as well, suggesting this variant may also cause autosomal dominant disease although with reduced penetrance (e.g., Sun_2002). These data indicate that the variant is very likely to be associated with disease. The following publications have been ascertained in the context of this evaluation (PMID: 21221019, 11840191). Five submitters have reported clinical-significance assessments for this variant to ClinVar after 2014. All submitters classified the variant as pathogenic. Based on the evidence outlined above, the variant was classified as pathogenic.

Mayo Clinic Laboratories, Mayo Clinic
Classification: Pathogenic. Last evaluated: 2019-07-07. Review status: criteria provided, single submitter. Criteria: ACMG Guidelines, 2015. Collection method: clinical testing. Allele origin: germline. Observed: 1 variant allele.
Comment: PS3, PS4_moderate, PM3, PP1, PP3

Athena Diagnostics
Classification: Pathogenic. Last evaluated: 2018-04-24. Review status: criteria provided, single submitter. Criteria: Athena Diagnostics Criteria. Collection method: clinical testing. Allele origin: germline.

Department of Neurology and Geriatrics, Kagoshima University Graduate School of Medical and Dental Sciences
Classification: Pathogenic for Congenital myotonia, autosomal recessive form. Last evaluated: 2022-04-06. Review status: no assertion criteria provided. Collection method: research. Allele origin: germline. Affected: yes. Not counted in ClinVar's aggregate classification.

GeneReviews
No classification provided. Condition: Batten-Turner congenital myopathy. Review status: no classification provided. Collection method: literature only. Allele origin: germline. Not counted in ClinVar's aggregate classification.
Comment: Associated with autosomal recessive and autosomal dominant mode of inheritance

Literature cited by the submitters: PubMed 10430417 (cited by 3 submitters); PubMed 11840191 (cited by 4 submitters); PubMed 21221019 (cited by Labcorp Genetics (formerly Invitae), Labcorp and Women's Health and Genetics/Laboratory Corporation of America, LabCorp); PubMed 22094069 (cited by Labcorp Genetics (formerly Invitae), Labcorp); PubMed 23933576 (cited by 3 submitters); PubMed 17990293 (cited by 3 submitters); PubMed 23424641 (cited by 3 submitters); PubMed 26021757 (cited by Labcorp Genetics (formerly Invitae), Labcorp); PubMed 27580824 (cited by Labcorp Genetics (formerly Invitae), Labcorp); PubMed 23893571 (cited by 3 submitters); PubMed 18807109 (cited by Athena Diagnostics); PubMed 18263754 (cited by Athena Diagnostics and GeneReviews); PubMed 8857727 (cited by GeneReviews); PubMed 8571958 (cited by GeneReviews); PubMed 8857733 (cited by GeneReviews); PubMed 9566422 (cited by GeneReviews); PubMed 15162127 (cited by GeneReviews).

NM_000083.3(CLCN1):c.1592C>T (p.Ala531Val)

Gene: CLCN1 (chloride voltage-gated channel 1; plus strand). Cytogenetic location: 7q34.
Variant type: single nucleotide variant.
Coding change: c.1592C>T on transcript NM_000083.3 (MANE Select); coding-DNA position 1592, C replaced by T.
Protein change: p.Ala531Val; replaces alanine 531 with valine.
Molecular consequence: missense variant. On other transcripts: non-coding transcript variant (1).
Genome position (GRCh38, 1-based): chr7:143,341,938, C>T. VCF-style: chr7-143341938-C-T. GRCh37 (hg19) VCF-style: chr7-143039031-C-T.
Other names: short protein forms A531V.
Identifiers: ClinVar variation 21040 (VCV000021040.24), dbSNP rs80356704, ClinGen allele CA341539.